The following is an entry in ClinVar:

NM_139076.3(ABRAXAS1):c.170A>T (p.Tyr57Phe)

Gene: ABRAXAS1 (abraxas 1, BRCA1 A complex subunit; minus strand). Cytogenetic location: 4q21.23.
Variant type: single nucleotide variant.
Coding change: c.170A>T on transcript NM_139076.3 (MANE Select); coding-DNA position 170, A replaced by T.
Protein change: p.Tyr57Phe; replaces tyrosine 57 with phenylalanine.
Molecular consequence: missense variant. On other transcripts: 5 prime UTR variant (1).
Genome position (GRCh38, 1-based): chr4:83,482,162, T>A on the plus strand (A>T on the coding strand, the complement: ABRAXAS1 is on the minus strand). VCF-style: chr4-83482162-T-A. GRCh37 (hg19) VCF-style: chr4-84403315-T-A.
Other names: c.-91A>T (NM_001345962.2); short protein forms Y57F.
Identifiers: ClinVar variation 3229140 (VCV003229140.1), dbSNP rs770769937, ClinGen allele CA357263175.

ClinVar aggregate classification (germline): Uncertain significance (1 of 4 stars; one submission).

gnomAD v4.1: 1 of 1,602,046 alleles (0.000062%); highest among the groups gnomAD compares: Non-Finnish European, 0.000085%; no homozygotes.

Submission:

Ambry Genetics
Classification: Uncertain significance. Last evaluated: 2024-03-09. Review status: criteria provided, single submitter. Criteria: Ambry Variant Classification Scheme 2023. Collection method: clinical testing. Allele origin: germline.
Comment: The p.Y57F variant (also known as c.170A>T), located in coding exon 2 of the FAM175A gene, results from an A to T substitution at nucleotide position 170. The tyrosine at codon 57 is replaced by phenylalanine, an amino acid with highly similar properties. This amino acid position is conserved. In addition, this alteration is predicted to be tolerated by in silico analysis. Based on the available evidence, the clinical significance of this alteration remains unclear.